The following is an entry in ClinVar:

NM_022489.4(INF2):c.314T>A (p.Val105Glu)

Gene: INF2 (inverted formin 2; plus strand). Cytogenetic location: 14q32.33.
Variant type: single nucleotide variant.
Coding change: c.314T>A on transcript NM_022489.4 (MANE Select); coding-DNA position 314, T replaced by A.
Protein change: p.Val105Glu; replaces valine 105 with glutamic acid.
Molecular consequence: missense variant.
Genome position (GRCh38, 1-based): chr14:104,701,679, T>A. VCF-style: chr14-104701679-T-A. GRCh37 (hg19) VCF-style: chr14-105168016-T-A.
Other names: c.314T>A, p.Val105Glu (NM_001031714.4, NM_032714.3); short protein forms V105E.
Identifiers: ClinVar variation 472835 (VCV000472835.7), dbSNP rs1555373363, ClinGen allele CA391225858.

ClinVar aggregate classification (germline): Pathogenic (1 of 4 stars; one submission).

Conditions:
Focal segmental glomerulosclerosis 5 (FSGS5). Identifiers: Orphanet 656, MedGen C2750475, MONDO:0013191, OMIM 613237.
Charcot-Marie-Tooth disease dominant intermediate E. Also called: CHARCOT-MARIE-TOOTH NEUROPATHY WITH FOCAL SEGMENTAL GLOMERULONEPHRITIS. Identifiers: Orphanet 93114, MedGen C4302667, MONDO:0013758, OMIM 614455.

Submission:

Labcorp Genetics (formerly Invitae), Labcorp
Classification: Pathogenic for Charcot-Marie-Tooth disease dominant intermediate E; Focal segmental glomerulosclerosis 5. Last evaluated: 2024-12-16. Review status: criteria provided, single submitter. Criteria: Invitae Variant Classification Sherloc (09022015). Collection method: clinical testing. Allele origin: germline.
Comment: This sequence change replaces valine, which is neutral and non-polar, with glutamic acid, which is acidic and polar, at codon 105 of the INF2 protein (p.Val105Glu). This variant is not present in population databases (gnomAD no frequency). This missense change has been observed in individual(s) with Charcot-Marie-Tooth disease (CMT) (internal data). In at least one individual the variant was observed to be de novo. ClinVar contains an entry for this variant (Variation ID: 472835). Invitae Evidence Modeling of protein sequence and biophysical properties (such as structural, functional, and spatial information, amino acid conservation, physicochemical variation, residue mobility, and thermodynamic stability) indicates that this missense variant is expected to disrupt INF2 protein function with a positive predictive value of 95%. For these reasons, this variant has been classified as Pathogenic.